The following is an entry in ClinVar:

ClinVar aggregate classification (germline): Likely benign (1 of 4 stars; one submission).

Allele frequency attached by ClinVar (database versions not stated): gnomAD exomes 0.00055; 1000 Genomes Project 0.00479; gnomAD 0.00525; 1000 Genomes Project 30x 0.00531; TOPMed 0.00600.
gnomAD v4.1: 1,377 of 1,173,856 alleles (0.12%); highest among the groups gnomAD compares: African/African-American, 1.9%; 13 homozygotes.

Submission:

GeneDx
Classification: Likely benign. Last evaluated: 2019-08-06. Review status: criteria provided, single submitter. Criteria: GeneDx Variant Classification Process June 2021. Collection method: clinical testing. Allele origin: germline. Affected: yes.
Comment: See Variant Classification Assertion Criteria.

NM_006182.4(DDR2):c.672-118C>T

Gene: DDR2 (discoidin domain receptor tyrosine kinase 2; plus strand). Cytogenetic location: 1q23.3.
Variant type: single nucleotide variant.
Coding change: c.672-118C>T on transcript NM_006182.4 (MANE Select); 118 bases into the intron before coding-DNA position 672, C replaced by T.
Molecular consequence: intron variant.
Genome position (GRCh38, 1-based): chr1:162,759,678, C>T. VCF-style: chr1-162759678-C-T. GRCh37 (hg19) VCF-style: chr1-162729468-C-T.
Other names: c.672-118C>T (NM_001354983.2, NM_001354982.2, NM_001014796.3).
Identifiers: ClinVar variation 1707084 (VCV001707084.2), dbSNP rs113207496, ClinGen allele CA31800106.